The following is an entry in ClinVar:

NM_001167.4(XIAP):c.298A>G (p.Asn100Asp)

Gene: XIAP (X-linked inhibitor of apoptosis; plus strand). Cytogenetic location: Xq25.
Variant type: single nucleotide variant.
Coding change: c.298A>G on transcript NM_001167.4 (MANE Select); coding-DNA position 298, A replaced by G.
Protein change: p.Asn100Asp; replaces asparagine 100 with aspartic acid.
Molecular consequence: missense variant.
Genome position (GRCh38, 1-based): chrX:123,885,960, A>G. VCF-style: chrX-123885960-A-G. GRCh37 (hg19) VCF-style: chrX-123019810-A-G.
Other names: c.298A>G, p.Asn100Asp (NM_001204401.2, NM_001378590.1, NM_001378591.1 and 1 more transcripts); short protein forms N100D.
Identifiers: ClinVar variation 4779777 (VCV004779777.1).
Genomic context (GRCh38, chrX:123,885,960, plus strand): 5'-GTTGGAAGACACAGGAAAGTATCCCCAAATTGCAGATTTATCAACGGCTTTTATCTTGAA[A>G]ATAGTGCCACGCAGTCTACAAATTCTGGTATCCAGAATGGTCAGTACAAAGTTGAAAACT-3'
Protein context (NP_001158.2, residues 90-110): CRFINGFYLE[Asn100Asp]SATQSTNSGI

ClinVar aggregate classification (germline): Uncertain significance (1 of 4 stars; one submission).

Conditions:
X-linked lymphoproliferative disease due to XIAP deficiency. Also called: XIAP-Related Lymphoproliferative Disease, X-Linked; XIAP DEFICIENCY. Identifiers: Orphanet 2442, Orphanet 538934, MedGen C1845076, MONDO:0010385, OMIM 300635.

Submission:

Labcorp Genetics (formerly Invitae), Labcorp
Classification: Uncertain significance for X-linked lymphoproliferative disease due to XIAP deficiency. Last evaluated: 2025-03-06. Review status: criteria provided, single submitter. Criteria: Invitae Variant Classification Sherloc (09022015). Collection method: clinical testing. Allele origin: germline.
Comment: This sequence change replaces asparagine, which is neutral and polar, with aspartic acid, which is acidic and polar, at codon 100 of the XIAP protein (p.Asn100Asp). This variant is not present in population databases (gnomAD no frequency). This variant has not been reported in the literature in individuals affected with XIAP-related conditions. Invitae Evidence Modeling of protein sequence and biophysical properties (such as structural, functional, and spatial information, amino acid conservation, physicochemical variation, residue mobility, and thermodynamic stability) indicates that this missense variant is not expected to disrupt XIAP protein function with a negative predictive value of 80%. In summary, the available evidence is currently insufficient to determine the role of this variant in disease. Therefore, it has been classified as a Variant of Uncertain Significance.